The following is an entry in ClinVar:

NM_007294.4(BRCA1):c.861_862dup (p.Ser288fs)

Gene: BRCA1 (BRCA1 DNA repair associated; minus strand). Cytogenetic location: 17q21.31.
Variant type: Duplication.
Coding change: c.861_862dup on transcript NM_007294.4 (MANE Select); coding-DNA positions 861 to 862, 2 bases duplicated (CA; older notation c.861_862dupCA).
Protein change: p.Ser288fs; shifts the reading frame from serine 288.
Molecular consequence: frameshift variant. On other transcripts: 5 prime UTR variant (2), intron variant (137).
Genome position (GRCh38, 1-based): chr17:43,094,669-43,094,670, TG duplicated on the plus strand (CA on the coding strand, the reverse complement: BRCA1 is on the minus strand); duplicating any 2 consecutive bases within chr17:43,094,669-43,094,671 gives the same sequence; the c. name uses the placement nearest the transcript's 3' end. VCF-style (leftmost placement, unchanged base first): chr17-43094668-C-CTG. GRCh37 (hg19) VCF-style: chr17-41246685-C-CTG.
Other names: 981_982insCA; c.861_862dup, p.Ser288fs (NM_007294.3, NM_001407593.1, NM_001407594.1 and 31 more transcripts); c.858_859dup, p.Ser287fs (NM_001407587.1, NM_001407590.1, NM_001407591.1 and 22 more transcripts); c.852_853dup, p.Ser285fs (NM_001407646.1, NM_001407647.1); c.738_739dup, p.Ser247fs (NM_001407648.1, NM_001407665.1, NM_001407666.1 and 19 more transcripts); c.735_736dup, p.Ser246fs (NM_001407649.1, NM_001407670.1, NM_001407671.1 and 11 more transcripts); c.783_784dup, p.Ser262fs (NM_001407653.1, NM_001407654.1, NM_001407655.1 and 4 more transcripts); c.720_721dup, p.Ser241fs (NM_001407727.1, NM_001407728.1, NM_001407729.1 and 29 more transcripts); and 41 more; short protein forms S241fs, S288fs, S199fs, S200fs, S221fs, S246fs, S247fs, S261fs.
Identifiers: ClinVar variation 266586 (VCV000266586.6), dbSNP rs886040326, ClinGen allele CA10589985.
Genomic context (GRCh38, chr17:43,094,668, plus strand): 5'-CTTTTATTACAGAATTCAGCCTTTTCTACATTCATTCTGTCTTTAGTGAGTAATAAACTG[C>CTG]TGTTCTCATGCTGTAATGAGCTGGCATGAGTATTTGTGCCACATGGCTCCACATGCAAGT-3'

ClinVar aggregate classification (germline): Pathogenic. Review status: reviewed by expert panel (3 of 4 stars). 2 submissions from 2 submitters: Pathogenic (1). 1 of the submissions does not count toward it. Last evaluated 2016-10-18.

Conditions:
Breast-ovarian cancer, familial, susceptibility to, 1 (BROVCA1). Also called: BRCA1 Hereditary Breast and Ovarian Cancer; OVARIAN CANCER, SUSCEPTIBILITY TO. Identifiers: Orphanet 145, MedGen C2676676, MONDO:0011450, OMIM 604370. Disease mechanism: loss of function.

Submissions (2):

Evidence-based Network for the Interpretation of Germline Mutant Alleles (ENIGMA)
Classification: Pathogenic for Breast-ovarian cancer, familial, susceptibility to, 1. Last evaluated: 2016-10-18. Review status: reviewed by expert panel. Criteria: ENIGMA BRCA1/2 Classification Criteria (2015). Collection method: curation. Allele origin: germline.
Comment: Variant allele predicted to encode a truncated non-functional protein.

Consortium of Investigators of Modifiers of BRCA1/2 (CIMBA), c/o University of Cambridge
Classification: Pathogenic for Breast-ovarian cancer, familial, susceptibility to, 1. Last evaluated: 2015-10-02. Review status: criteria provided, single submitter. Criteria: CIMBA Mutation Classification guidelines May 2016. Collection method: clinical testing. Allele origin: germline. Not counted in ClinVar's aggregate classification.